The following is an entry in ClinVar:

ClinVar aggregate classification (germline): Uncertain significance. Review status: criteria provided, multiple submitters, no conflicts (2 of 4 stars). 2 submissions from 2 submitters: Uncertain significance (2). Last evaluated 2023-07-27.

Conditions:
Ataxia-telangiectasia syndrome (AT). Also called: LOUIS-BAR SYNDROME; Cerebello-oculocutaneous telangiectasia; Immunodeficiency with ataxia telangiectasia; Ataxia telangiectasia (A-T); Ataxia-telangiectasia, complementation group D; AT, COMPLEMENTATION GROUP C. Identifiers: Orphanet 100, MedGen C0004135, MONDO:0008840, OMIM 208900.

Submissions (2):

Labcorp Genetics (formerly Invitae), Labcorp
Classification: Uncertain significance for Ataxia-telangiectasia syndrome. Last evaluated: 2023-07-27. Review status: criteria provided, single submitter. Criteria: Invitae Variant Classification Sherloc (09022015). Collection method: clinical testing. Allele origin: germline.
Comment: This variant has not been reported in the literature in individuals affected with ATM-related conditions. This variant is not present in population databases (gnomAD no frequency). This sequence change replaces alanine, which is neutral and non-polar, with proline, which is neutral and non-polar, at codon 2688 of the ATM protein (p.Ala2688Pro). Algorithms developed to predict the effect of missense changes on protein structure and function output the following: SIFT: "Not Available"; PolyPhen-2: "Benign"; Align-GVGD: "Not Available". The proline amino acid residue is found in multiple mammalian species, which suggests that this missense change does not adversely affect protein function. In summary, the available evidence is currently insufficient to determine the role of this variant in disease. Therefore, it has been classified as a Variant of Uncertain Significance.

GeneDx
Classification: Uncertain significance. Last evaluated: 2023-05-12. Review status: criteria provided, single submitter. Criteria: GeneDx Variant Classification Process June 2021. Collection method: clinical testing. Allele origin: germline. Affected: yes.
Comment: Not observed at significant frequency in large population cohorts (gnomAD); In silico analysis supports that this missense variant does not alter protein structure/function; Has not been previously published as pathogenic or benign to our knowledge

NM_000051.4(ATM):c.8062G>C (p.Ala2688Pro)

Genes: ATM (ATM serine/threonine kinase; plus strand), C11orf65 (chromosome 11 open reading frame 65; minus strand). Cytogenetic location: 11q22.3.
Variant type: single nucleotide variant.
Coding change: c.8062G>C on transcript NM_000051.4 (MANE Select); coding-DNA position 8062, G replaced by C.
Protein change: p.Ala2688Pro; replaces alanine 2688 with proline.
Molecular consequence: missense variant. On other transcripts: intron variant (2).
Genome position (GRCh38, 1-based): chr11:108,335,020, G>C. VCF-style: chr11-108335020-G-C. GRCh37 (hg19) VCF-style: chr11-108205747-G-C.
Other names: c.8062G>C, p.Ala2688Pro (NM_001351834.2); c.641-25949C>G (NM_001330368.2); c.*38+200C>G (NM_001351110.2); short protein forms A2688P.
Identifiers: ClinVar variation 2747011 (VCV002747011.4), dbSNP rs1565540761, ClinGen allele CA382561969.